The following is an entry in ClinVar:

NM_000440.3(PDE6A):c.1684C>T (p.Arg562Trp)

Gene: PDE6A (phosphodiesterase 6A; minus strand). Cytogenetic location: 5q32.
Variant type: single nucleotide variant.
Coding change: c.1684C>T on transcript NM_000440.3 (MANE Select); coding-DNA position 1684, C replaced by T.
Protein change: p.Arg562Trp; replaces arginine 562 with tryptophan.
Molecular consequence: missense variant.
Genome position (GRCh38, 1-based): chr5:149,895,227, G>A on the plus strand (C>T on the coding strand, the complement: PDE6A is on the minus strand). VCF-style: chr5-149895227-G-A. GRCh37 (hg19) VCF-style: chr5-149274790-G-A.
Other names: short protein forms R562W.
Identifiers: ClinVar variation 1297096 (VCV001297096.9), dbSNP rs759589388, ClinGen allele CA3504595.

ClinVar aggregate classification (germline): Pathogenic/Likely pathogenic. Review status: criteria provided, multiple submitters, no conflicts (2 of 4 stars). 5 submissions from 5 submitters: Pathogenic (4); Likely pathogenic (1). Last evaluated 2025-09-15.

Conditions:
PDE6A-related disorder. Also called: PDE6A-related condition.
Retinal dystrophy. Also called: Inherited retinal dystrophy. Identifiers: Orphanet 71862, MedGen C0854723, MeSH D058499, MONDO:0019118, HP:0000556.
Retinitis pigmentosa (RP). Identifiers: Orphanet 791, MedGen C0035334, MeSH D012174, MONDO:0019200, OMIM 268000. Inheritance: Autosomal dominant, autosomal recessive and X linked inheritance.
Retinitis pigmentosa 43 (RP43). Identifiers: Orphanet 791, MedGen C3151139, MONDO:0013437, OMIM 613810.

Allele frequency attached by ClinVar (database versions not stated): TOPMed below 0.00001; ExAC 0.00001; gnomAD 0.00001; gnomAD exomes 0.00001.
gnomAD v4.1: 14 of 1,613,926 alleles (0.00087%); highest among the groups gnomAD compares: East Asian, 0.0022%; no homozygotes.

Submissions (5):

Labcorp Genetics (formerly Invitae), Labcorp
Classification: Pathogenic. Last evaluated: 2025-09-15. Review status: criteria provided, single submitter. Criteria: Invitae Variant Classification Sherloc (09022015). Collection method: clinical testing. Allele origin: germline.
Comment: This sequence change replaces arginine, which is basic and polar, with tryptophan, which is neutral and slightly polar, at codon 562 of the PDE6A protein (p.Arg562Trp). This variant is present in population databases (rs759589388, gnomAD 0.003%). This missense change has been observed in individual(s) with retinitis pigmentosa (PMID: 31213501, 31736247, 33057649). In at least one individual the data is consistent with being in trans (on the opposite chromosome) from a pathogenic variant. ClinVar contains an entry for this variant (Variation ID: 1297096). Invitae Evidence Modeling of protein sequence and biophysical properties (such as structural, functional, and spatial information, amino acid conservation, physicochemical variation, residue mobility, and thermodynamic stability) has been performed for this missense variant. However, the output from this modeling did not meet the statistical confidence thresholds required to predict the impact of this variant on PDE6A protein function. Experimental studies have shown that this missense change affects PDE6A function (PMID: 26188004, 27551530). This variant disrupts the p.Arg562 amino acid residue in PDE6A. Other variant(s) that disrupt this residue have been observed in individuals with PDE6A-related conditions (PMID: 33090715), which suggests that this may be a clinically significant amino acid residue. For these reasons, this variant has been classified as Pathogenic.

Dept Of Ophthalmology, Nagoya University
Classification: Pathogenic for Retinal dystrophy. Last evaluated: 2023-10-01. Review status: criteria provided, single submitter. Criteria: Submitter's publication. Collection method: research. Allele origin: germline. Affected: yes.

Fulgent Genetics
Classification: Pathogenic for Retinitis pigmentosa 43. Last evaluated: 2022-05-06. Review status: criteria provided, single submitter. Criteria: ACMG Guidelines, 2015. Collection method: clinical testing. Allele origin: unknown.

Blueprint Genetics
Classification: Pathogenic for PDE6A-related disorders. Last evaluated: 2021-08-18. Review status: criteria provided, single submitter. Criteria: ACMG Guidelines, 2015. Collection method: clinical testing. Allele origin: germline. Affected: yes. Observed: 2 variant alleles.

Broad Center for Mendelian Genomics, Broad Institute of MIT and Harvard
Classification: Likely pathogenic for Retinitis pigmentosa. Last evaluated: 2021-04-01. Review status: criteria provided, single submitter. Criteria: ACMG Guidelines, 2015. Collection method: curation. Allele origin: germline. Inheritance: Autosomal recessive inheritance. Affected: yes.
Comment: Through a review of available evidence we were able to apply the following criteria: PM2, PP3, PS3. Based on this evidence we have classified this variant as Likely Pathogenic. If you have any questions about the classification please reach out to the Pierce Lab.

Literature cited by the submitters: PubMed 31213501 (cited by Labcorp Genetics (formerly Invitae), Labcorp); PubMed 31736247 (cited by Labcorp Genetics (formerly Invitae), Labcorp); PubMed 33057649 (cited by Labcorp Genetics (formerly Invitae), Labcorp); PubMed 26188004 (cited by Labcorp Genetics (formerly Invitae), Labcorp and Broad Center for Mendelian Genomics, Broad Institute of MIT and Harvard); PubMed 27551530 (cited by Labcorp Genetics (formerly Invitae), Labcorp); PubMed 33090715 (cited by Labcorp Genetics (formerly Invitae), Labcorp); PubMed 34906470 (cited by Broad Center for Mendelian Genomics, Broad Institute of MIT and Harvard).